The following is an entry in ClinVar:

NM_001384140.1(PCDH15):c.2160T>A (p.Tyr720Ter)

Gene: PCDH15 (protocadherin related 15; minus strand). Cytogenetic location: 10q21.1.
Variant type: single nucleotide variant.
Coding change: c.2160T>A on transcript NM_001384140.1 (MANE Select); coding-DNA position 2160, T replaced by A.
Protein change: p.Tyr720Ter; replaces tyrosine 720 with a stop codon.
Molecular consequence: nonsense.
Genome position (GRCh38, 1-based): chr10:54,066,817, A>T on the plus strand (T>A on the coding strand, the complement: PCDH15 is on the minus strand). VCF-style: chr10-54066817-A-T. GRCh37 (hg19) VCF-style: chr10-55826577-A-T.
Other names: c.2175T>A, p.Tyr725Ter (NM_001142763.2, NM_001142771.2); c.2160T>A, p.Tyr720Ter (NM_001142764.2, NM_001142766.2, NM_001142770.3 and 5 more transcripts); c.1947T>A, p.Tyr649Ter (NM_001142765.2); c.2049T>A, p.Tyr683Ter (NM_001142767.2); c.2094T>A, p.Tyr698Ter (NM_001142768.2, NM_001142773.2, NM_001354404.2); c.2196T>A, p.Tyr732Ter (NM_001142769.4); c.2181T>A, p.Tyr727Ter (NM_001354411.2); short protein forms Y683*, Y720*, Y727*, Y698*, Y732*, Y649*, Y725*.
Identifiers: ClinVar variation 2853126 (VCV002853126.3), dbSNP rs2539767433, ClinGen allele CA376517036.
Genomic context (GRCh38, chr10:54,066,817, plus strand): 5'-TTTTACTTGACCCACAAAGGCATTGGCTTCTTCTTCCACCACAGATAAATTTCTTGGCAG[A>T]TAAGGATCAAACACTGGAGCATTGTCATTGACATCTGTCACCACTATGTTTACTGTGGCA-3'

ClinVar aggregate classification (germline): Pathogenic (1 of 4 stars; one submission).

Allele frequency attached by ClinVar (database versions not stated): gnomAD exomes below 0.00001.
gnomAD v4.1: 1 of 1,613,540 alleles (0.000062%); highest among the groups gnomAD compares: Non-Finnish European, 0.000085%; no homozygotes.

Submission:

Labcorp Genetics (formerly Invitae), Labcorp
Classification: Pathogenic. Last evaluated: 2023-04-07. Review status: criteria provided, single submitter. Criteria: Invitae Variant Classification Sherloc (09022015). Collection method: clinical testing. Allele origin: germline.
Comment: For these reasons, this variant has been classified as Pathogenic. This sequence change creates a premature translational stop signal (p.Tyr720*) in the PCDH15 gene. It is expected to result in an absent or disrupted protein product. Loss-of-function variants in PCDH15 are known to be pathogenic (PMID: 11398101, 11487575, 14570705). This variant is not present in population databases (gnomAD no frequency). This variant has not been reported in the literature in individuals affected with PCDH15-related conditions.

Literature cited by the submitters: PubMed 11398101; PubMed 11487575; PubMed 14570705.